The following is an entry in ClinVar:

ClinVar aggregate classification (germline): Uncertain significance (1 of 4 stars; one submission).

Conditions:
Amyotrophic lateral sclerosis type 6. Also called: FUS-Related Amyotrophic Laterial Sclerosis; AMYOTROPHIC LATERAL SCLEROSIS 6 WITHOUT FRONTOTEMPORAL DEMENTIA; Amyotrophic lateral sclerosis 6, with or without frontotemporal dementia. Identifiers: Orphanet 275872, Orphanet 803, MedGen C2931786, MONDO:0011951, OMIM 608030.
Tremor, hereditary essential, 4 (ETM4). Identifiers: MedGen C3539195, MONDO:0013888, OMIM 614782.

gnomAD v4.1: 3 of 1,614,204 alleles (0.00019%); highest among the groups gnomAD compares: Non-Finnish European, 0.00025%; no homozygotes.

Submission:

Labcorp Genetics (formerly Invitae), Labcorp
Classification: Uncertain significance for Tremor, hereditary essential, 4; Amyotrophic lateral sclerosis type 6. Last evaluated: 2024-07-11. Review status: criteria provided, single submitter. Criteria: Invitae Variant Classification Sherloc (09022015). Collection method: clinical testing. Allele origin: germline.
Comment: This sequence change replaces glycine, which is neutral and non-polar, with glutamic acid, which is acidic and polar, at codon 34 of the FUS protein (p.Gly34Glu). This variant is not present in population databases (gnomAD no frequency). This missense change has been observed in individual(s) with amyotrophic lateral sclerosis (PMID: 28717666). Experimental studies and prediction algorithms are not available or were not evaluated, and the functional significance of this variant is currently unknown. In summary, the available evidence is currently insufficient to determine the role of this variant in disease. Therefore, it has been classified as a Variant of Uncertain Significance.

Literature cited by the submitters: PubMed 28717666.

NM_004960.4(FUS):c.101G>A (p.Gly34Glu)

Gene: FUS (FUS RNA binding protein; plus strand). Cytogenetic location: 16p11.2.
Variant type: single nucleotide variant.
Coding change: c.101G>A on transcript NM_004960.4 (MANE Select); coding-DNA position 101, G replaced by A.
Protein change: p.Gly34Glu; replaces glycine 34 with glutamic acid.
Molecular consequence: missense variant. On other transcripts: non-coding transcript variant (1).
Genome position (GRCh38, 1-based): chr16:31,182,575, G>A. VCF-style: chr16-31182575-G-A. GRCh37 (hg19) VCF-style: chr16-31193896-G-A.
Other names: c.101G>A, p.Gly34Glu (NM_001170634.1, NM_001170937.1); short protein forms G34E.
Identifiers: ClinVar variation 3759350 (VCV003759350.2).